The following is an entry in ClinVar:

NM_021942.6(TRAPPC11):c.61dup (p.Thr21fs)

Gene: TRAPPC11 (trafficking protein particle complex subunit 11; plus strand). Cytogenetic location: 4q35.1.
Variant type: Duplication.
Coding change: c.61dup on transcript NM_021942.6 (MANE Select); coding-DNA position 61, one base duplicated (A; older notation c.61dupA).
Protein change: p.Thr21fs; shifts the reading frame from threonine 21.
Molecular consequence: frameshift variant.
Genome position (GRCh38, 1-based): chr4:183,663,928, A duplicated. VCF-style (leftmost placement, unchanged base first): chr4-183663927-T-TA. GRCh37 (hg19) VCF-style: chr4-184585080-T-TA.
Other names: c.61dup, p.Thr21fs (NM_199053.3); short protein forms T21fs.
Identifiers: ClinVar variation 4734414 (VCV004734414.1).

ClinVar aggregate classification (germline): Pathogenic (1 of 4 stars; one submission).

Conditions:
Autosomal recessive limb-girdle muscular dystrophy type R18 (LGMDR18). Also called: Limb-girdle muscular dystrophy, type 2S; MUSCULAR DYSTROPHY, LIMB-GIRDLE, AUTOSOMAL RECESSIVE 18; Autosomal recessive limb-girdle muscular dystrophy type 2S. Identifiers: Orphanet 369840, MedGen C4517996, MONDO:0014144, OMIM 615356.

Submission:

Labcorp Genetics (formerly Invitae), Labcorp
Classification: Pathogenic for Autosomal recessive limb-girdle muscular dystrophy type R18. Last evaluated: 2025-12-30. Review status: criteria provided, single submitter. Criteria: Invitae Variant Classification Sherloc (09022015). Collection method: clinical testing. Allele origin: germline.
Comment: This sequence change creates a premature translational stop signal (p.Thr21Asnfs*10) in the TRAPPC11 gene. It is expected to result in an absent or disrupted protein product. Loss-of-function variants in TRAPPC11 are known to be pathogenic (PMID: 23830518, 26322222). This variant is not present in population databases (gnomAD no frequency). This variant has not been reported in the literature in individuals affected with TRAPPC11-related conditions. For these reasons, this variant has been classified as Pathogenic.

Literature cited by the submitters: PubMed 23830518; PubMed 26322222.